The following is an entry in ClinVar:

NM_001267550.2(TTN):c.101950C>G (p.Pro33984Ala)

Genes: TTN-AS1 (TTN antisense RNA 1; plus strand), TTN (titin; minus strand). Cytogenetic location: 2q31.2.
Variant type: single nucleotide variant.
Coding change: c.101950C>G on transcript NM_001267550.2 (MANE Select); coding-DNA position 101950, C replaced by G.
Protein change: p.Pro33984Ala; replaces proline 33984 with alanine.
Molecular consequence: missense variant.
Genome position (GRCh38, 1-based): chr2:178,534,665, G>C on the plus strand (C>G on the coding strand, the complement: TTN is on the minus strand). VCF-style: chr2-178534665-G-C. GRCh37 (hg19) VCF-style: chr2-179399392-G-C.
Other names: c.97027C>G, p.Pro32343Ala (NM_001256850.1); c.74755C>G, p.Pro24919Ala (NM_003319.4); c.94246C>G, p.Pro31416Ala (NM_133378.4); c.75130C>G, p.Pro25044Ala (NM_133432.3); c.75331C>G, p.Pro25111Ala (NM_133437.4); short protein forms P24919A, P25044A, P25111A, P31416A, P32343A, P33984A.
Identifiers: ClinVar variation 3756597 (VCV003756597.2).

ClinVar aggregate classification (germline): Uncertain significance (1 of 4 stars; one submission).

Conditions:
Dilated cardiomyopathy 1G (CMD1G). Identifiers: Orphanet 154, MedGen C1858763, MONDO:0011400, OMIM 604145.
Autosomal recessive limb-girdle muscular dystrophy type 2J (LGMDR10). Also called: Limb-girdle muscular dystrophy, type 2J; MUSCULAR DYSTROPHY, LIMB-GIRDLE, AUTOSOMAL RECESSIVE 10. Identifiers: Orphanet 140922, MedGen C1837342, MONDO:0012127, OMIM 608807.

Submission:

Labcorp Genetics (formerly Invitae), Labcorp
Classification: Uncertain significance for Dilated cardiomyopathy 1G; Autosomal recessive limb-girdle muscular dystrophy type 2J. Last evaluated: 2024-05-29. Review status: criteria provided, single submitter. Criteria: Invitae Variant Classification Sherloc (09022015). Collection method: clinical testing. Allele origin: germline.
Comment: This sequence change replaces proline, which is neutral and non-polar, with alanine, which is neutral and non-polar, at codon 33984 of the TTN protein (p.Pro33984Ala). This variant is not present in population databases (gnomAD no frequency). This variant has not been reported in the literature in individuals affected with TTN-related conditions. Experimental studies and prediction algorithms are not available or were not evaluated, and the functional significance of this variant is currently unknown. This variant is located in the M band of TTN (PMID: 25589632). Non-truncating variants in this region may be relevant for neuromuscular disorders, but have not been definitively shown to cause cardiomyopathy (PMID: 23975875). In summary, the available evidence is currently insufficient to determine the role of this variant in disease. Therefore, it has been classified as a Variant of Uncertain Significance.

Literature cited by the submitters: PubMed 25589632; PubMed 23975875.